The following is an entry in ClinVar:

NM_152564.5(VPS13B):c.7429+1G>A

Gene: VPS13B (vacuolar protein sorting 13 homolog B; plus strand). Cytogenetic location: 8q22.2.
Variant type: single nucleotide variant.
Coding change: c.7429+1G>A on transcript NM_152564.5 (MANE Select); the canonical splice donor site of the intron after coding-DNA position 7429, G replaced by A.
Molecular consequence: splice donor variant.
Genome position (GRCh38, 1-based): chr8:99,776,957, G>A. VCF-style: chr8-99776957-G-A. GRCh37 (hg19) VCF-style: chr8-100789185-G-A.
Other names: c.7504+1G>A (NM_017890.5); c.7429+1G>A (NM_152564.4).
Identifiers: ClinVar variation 56687 (VCV000056687.11), dbSNP rs386834106, ClinGen allele CA264120.
Genomic context (GRCh38, chr8:99,776,957, plus strand): 5'-CTTTCCAGTTTGCTCACCTGGAATTCCATCTTTGTCATCACCTTGACCAACTAGGCACAG[G>A]TACTCTTTTTTTTAGCATCAGAATAACATCCATTTAATACTTACCATTTTCTCTTGAGTG-3'

ClinVar aggregate classification (germline): Pathogenic. Review status: criteria provided, multiple submitters, no conflicts (2 of 4 stars). 4 submissions from 4 submitters: Pathogenic (2). 2 of the submissions do not count toward it. Last evaluated 2026-01-09.

Conditions:
VPS13B-related disorder. Also called: VPS13B-related condition.
Cohen syndrome (COH1). Also called: PEPPER SYNDROME; Cutis verticis gyrata, retinitis pigmentosa, and sensorineural deafness. Identifiers: Orphanet 193, MedGen C0265223, MONDO:0008999, OMIM 216550.

Allele frequency attached by ClinVar (database versions not stated): gnomAD exomes below 0.00001 and 0.00001.
gnomAD v4.1: 6 of 1,613,750 alleles (0.00037%); highest among the groups gnomAD compares: Admixed American, 0.0017%; no homozygotes.

Submissions (4):

Labcorp Genetics (formerly Invitae), Labcorp
Classification: Pathogenic for Cohen syndrome. Last evaluated: 2026-01-09. Review status: criteria provided, single submitter. Criteria: Invitae Variant Classification Sherloc (09022015). Collection method: clinical testing. Allele origin: germline.
Comment: This sequence change affects a donor splice site in intron 41 of the VPS13B gene. It is expected to disrupt RNA splicing. Variants that disrupt the donor or acceptor splice site typically lead to a loss of protein function (PMID: 16199547), and loss-of-function variants in VPS13B are known to be pathogenic (PMID: 15141358, 16648375, 20461111). This variant is present in population databases (rs386834106, gnomAD 0.003%). Disruption of this splice site has been observed in individual(s) with Cohen syndrome (PMID: 17990063). In at least one individual the data is consistent with being in trans (on the opposite chromosome) from a pathogenic variant. ClinVar contains an entry for this variant (Variation ID: 56687). Algorithms developed to predict the effect of sequence changes on RNA splicing suggest that this variant may disrupt the consensus splice site. For these reasons, this variant has been classified as Pathogenic.

PreventionGenetics, part of Exact Sciences
Classification: Pathogenic for VPS13B-related condition. Last evaluated: 2025-06-04. Review status: criteria provided, single submitter. Criteria: ACMG Guidelines, 2015. Collection method: clinical testing. Allele origin: germline.
Comment: The VPS13B c.7429+1G>A variant is predicted to disrupt the GT donor site and interfere with normal splicing. This variant has been reported in the compound heterozygous state with a pathogenic loss-of-function VPS13B variant in an individual with Cohen syndrome (referred to as c.7504+1G>A, Katzaki et al. 2007. PubMed ID: 17990063). This variant is reported in 0.0033% of alleles in individuals of South Asian descent in gnomAD. Variants that disrupt the consensus splice donor site in VPS13B are expected to be pathogenic. This variant is interpreted as pathogenic.

Counsyl
Classification: Likely pathogenic for Cohen syndrome. Last evaluated: 2017-11-16. Review status: no assertion criteria provided. Collection method: clinical testing. Allele origin: unknown. Not counted in ClinVar's aggregate classification.

Juha Muilu Group; Institute for Molecular Medicine Finland (FIMM)
Classification: Likely pathogenic for Cohen syndrome. Review status: no assertion criteria provided. Collection method: not provided. Allele origin: unknown. Not counted in ClinVar's aggregate classification.
Comment: FinDis database variant: This variant was not found or characterized by our laboratory, data were collected from public sources: see reference
ClinVar note: Converted during submission from probable-pathogenic to Likely pathogenic.

Literature cited by the submitters: PubMed 16199547 (cited by Labcorp Genetics (formerly Invitae), Labcorp); PubMed 15141358 (cited by Labcorp Genetics (formerly Invitae), Labcorp); PubMed 16648375 (cited by Labcorp Genetics (formerly Invitae), Labcorp); PubMed 20461111 (cited by Labcorp Genetics (formerly Invitae), Labcorp); PubMed 17990063 (cited by Labcorp Genetics (formerly Invitae), Labcorp and Counsyl).